The following is an entry in ClinVar:

NM_000059.4(BRCA2):c.4747_4749del (p.Ile1583del)

Gene: BRCA2 (BRCA2 DNA repair associated; plus strand). Cytogenetic location: 13q13.1.
Variant type: Deletion.
Coding change: c.4747_4749del on transcript NM_000059.4 (MANE Select); coding-DNA positions 4747 to 4749, 3 bases deleted (ATT; older notation c.4747_4749delATT).
Protein change: p.Ile1583del; deletes isoleucine 1583.
Molecular consequence: inframe deletion.
Genome position (GRCh38, 1-based): chr13:32,339,102-32,339,104, ATT deleted. VCF-style (leftmost placement, unchanged base first): chr13-32339101-CATT-C. GRCh37 (hg19) VCF-style: chr13-32913238-CATT-C.
Other names: c.4747_4749delATT (NM_000059.3); short protein forms I1583del.
Identifiers: ClinVar variation 641851 (VCV000641851.9), dbSNP rs1593903342, ClinGen allele CA915948471.
Genomic context (GRCh38, chr13:32,339,101, plus strand): 5'-ATGGGCAAAGACCCTAAAGTACAGAGAGGCCTGTAAAGACCTTGAATTAGCATGTGAGAC[CATT>C]GAGATCACAGCTGCCCCAAAGTGTAAAGAAATGCAGAATTCTCTCAATAATGATAAAAAC-3'

ClinVar aggregate classification (germline): Uncertain significance (1 of 4 stars; one submission).

Conditions:
Hereditary breast ovarian cancer syndrome. Also called: Hereditary breast and ovarian cancer; Hereditary breast and ovarian cancer syndrome; Hereditary breast and ovarian cancer syndrome (HBOC); Hereditary breast and/or ovarian cancer syndrome; Breast and ovarian cancer; BRCA1- and BRCA2-Associated Hereditary Breast and Ovarian Cancer. Identifiers: Orphanet 145, MedGen C0677776, MeSH D061325, MONDO:0003582. Disease mechanism: loss of function.

Submission:

Labcorp Genetics (formerly Invitae), Labcorp
Classification: Uncertain significance for Hereditary breast ovarian cancer syndrome. Last evaluated: 2022-04-11. Review status: criteria provided, single submitter. Criteria: Invitae Variant Classification Sherloc (09022015). Collection method: clinical testing. Allele origin: germline.
Comment: ClinVar contains an entry for this variant (Variation ID: 641851). Experimental studies and prediction algorithms are not available or were not evaluated, and the functional significance of this variant is currently unknown. In summary, the available evidence is currently insufficient to determine the role of this variant in disease. Therefore, it has been classified as a Variant of Uncertain Significance. This variant has been observed in individual(s) with breast cancer (PMID: 20859677). This variant is not present in population databases (gnomAD no frequency). This variant, c.4747_4749del, results in the deletion of 1 amino acid(s) of the BRCA2 protein (p.Ile1583del), but otherwise preserves the integrity of the reading frame.

Literature cited by the submitters: PubMed 20859677.